The following is an entry in ClinVar:

ClinVar aggregate classification (germline): Pathogenic (1 of 4 stars; one submission).

Conditions:
Microcephaly with or without chorioretinopathy, lymphedema, or impaired intellectual development. Also called: MICROCEPHALY, LYMPHEDEMA, CHORIORETINAL DYSPLASIA SYNDROME; Microcephaly lymphedema chorioretinal dysplasia; MICROCEPHALY AND CHORIORETINOPATHY WITH OR WITHOUT MENTAL RETARDATION, AUTOSOMAL DOMINANT; Microcephaly with or without chorioretinopathy, lymphedema, or mental retardation; Microcephaly with or without chorioretinopathy, lymphedema, or intellectual disability. Identifiers: Orphanet 2526, MedGen C1835265, MONDO:0007918, OMIM 152950.

Submission:

Department of Pediatrics, Jichi Medical University
Classification: Pathogenic for Microcephaly with or without chorioretinopathy, lymphedema, or impaired intellectual development. Last evaluated: 2026-10-25. Review status: criteria provided, single submitter. Criteria: ACMG Guidelines, 2015. Collection method: provider interpretation. Allele origin: de novo. Inheritance: Autosomal dominant inheritance. Affected: yes. Observed: 1 variant allele, 1 heterozygote.
Comment: In accordance with the guidelines of the American College of Medical Genetics and Genomics and the Association for Molecular Pathology (ACMG/AMP), the variant was classified as pathogenic on the basis of PVS1 (canonical ±1 or 2 splice site) and PS2 (de novo occurrence).

Literature cited by the submitters: PubMed 24281367; PubMed 38367657.

NM_004523.4(KIF11):c.2001+1G>A

Gene: KIF11 (kinesin family member 11; plus strand). Cytogenetic location: 10q23.33.
Variant type: single nucleotide variant.
Coding change: c.2001+1G>A on transcript NM_004523.4 (MANE Select); the canonical splice donor site of the intron after coding-DNA position 2001, G replaced by A.
Molecular consequence: splice donor variant.
Genome position (GRCh38, 1-based): chr10:92,637,310, G>A. VCF-style: chr10-92637310-G-A. GRCh37 (hg19) VCF-style: chr10-94397067-G-A.
Identifiers: ClinVar variation 5042483 (VCV005042483.1).